The following is an entry in ClinVar:

ClinVar aggregate classification (germline): Likely benign. Review status: criteria provided, single submitter (1 of 4 stars). 2 submissions from 2 submitters: Likely benign (1). 1 of the submissions does not count toward it. Last evaluated 2026-09-01.

Conditions:
GEMIN4-related disorder. Also called: GEMIN4-related condition.

Allele frequency attached by ClinVar (database versions not stated): TOPMed 0.00149; 1000 Genomes Project 0.00160; ESP Exome Variant Server 0.00080; gnomAD exomes 0.00105 and 0.00143; gnomAD 0.00136 and 0.00138; 1000 Genomes Project 30x 0.00141.
gnomAD v4.1: 2,283 of 1,613,602 alleles (0.14%); highest among the groups gnomAD compares: East Asian, 0.85%; 9 homozygotes.

Submissions (2):

CeGaT Center for Human Genetics Tuebingen
Classification: Likely benign. Last evaluated: 2026-09-01. Review status: criteria provided, single submitter. Criteria: CeGaT Center For Human Genetics Tuebingen Variant Classification Criteria Version 2. Collection method: clinical testing. Allele origin: germline. Affected: yes. Observed: 6 variant alleles.
Comment: GEMIN4: BP4, BS2

PreventionGenetics, part of Exact Sciences
Classification: Likely benign for GEMIN4-related condition. Last evaluated: 2023-01-17. Review status: no assertion criteria provided. Collection method: clinical testing. Allele origin: germline. Not counted in ClinVar's aggregate classification.
Comment: This variant is classified as likely benign based on ACMG/AMP sequence variant interpretation guidelines (Richards et al. 2015 PMID: 25741868, with internal and published modifications).

NM_015721.3(GEMIN4):c.1169C>T (p.Thr390Met)

Gene: GEMIN4 (gem nuclear organelle associated protein 4; minus strand). Cytogenetic location: 17p13.3.
Variant type: single nucleotide variant.
Coding change: c.1169C>T on transcript NM_015721.3 (MANE Select); coding-DNA position 1169, C replaced by T.
Protein change: p.Thr390Met; replaces threonine 390 with methionine.
Molecular consequence: missense variant.
Genome position (GRCh38, 1-based): chr17:746,874, G>A on the plus strand (C>T on the coding strand, the complement: GEMIN4 is on the minus strand). VCF-style: chr17-746874-G-A. GRCh37 (hg19) VCF-style: chr17-650114-G-A.
Other names: c.1169C>T (NM_015721.2); short protein forms T390M.
Identifiers: ClinVar variation 1335239 (VCV001335239.36), dbSNP rs140155001, ClinGen allele CA8262700.
Genomic context (GRCh38, chr17:746,874, plus strand): 5'-ACGGCCATGGCAATGGAAGCTGTGATATCCTCCAAGGCCCTGTTCTTCAGCACCGTGCTC[G>A]TTTTCCTCAGGAAGTCCCTGACACACTCCGCCAGCTCAGAGACCACCTGCCTGTCCTCCT-3'
Protein context (NP_056536.2, residues 380-400): AECVRDFLRK[Thr390Met]STVLKNRALE